The following is an entry in ClinVar:

ClinVar aggregate classification (germline): Uncertain significance. Review status: criteria provided, multiple submitters, no conflicts (2 of 4 stars). 2 submissions from 2 submitters: Uncertain significance (2). Last evaluated 2025-12-18.

Conditions:
Hereditary cancer-predisposing syndrome. Also called: Tumor predisposition; Hereditary Cancer Syndrome; Hereditary neoplastic syndrome; Neoplastic Syndromes, Hereditary. Identifiers: Orphanet 140162, MedGen C0027672, MeSH D009386, MONDO:0015356.
Familial adenomatous polyposis 1 (FAP1). Also called: FAMILIAL ADENOMATOUS POLYPOSIS 1, ATTENUATED; POLYPOSIS, ADENOMATOUS INTESTINAL. Identifiers: MedGen C2713442, MONDO:0021056, OMIM 175100. Disease mechanism: loss of function.

Submissions (2):

Ambry Genetics
Classification: Uncertain significance for Hereditary cancer-predisposing syndrome. Last evaluated: 2025-12-18. Review status: criteria provided, single submitter. Criteria: Ambry Variant Classification Scheme 2023. Collection method: clinical testing. Allele origin: germline.
Comment: The p.N1017S variant (also known as c.3050A>G), located in coding exon 15 of the APC gene, results from an A to G substitution at nucleotide position 3050. The asparagine at codon 1017 is replaced by serine, an amino acid with highly similar properties. This amino acid position is well conserved in available vertebrate species. In addition, in silico predictors for this gene do not accurately predict pathogenicity. Missense variants in APC are not a common cause of disease (Spier I et al. Genet Med. 2024 Feb;26(2):100992). Based on the available evidence, the clinical significance of this variant remains unclear.

Labcorp Genetics (formerly Invitae), Labcorp
Classification: Uncertain significance for Familial adenomatous polyposis 1. Last evaluated: 2022-10-25. Review status: criteria provided, single submitter. Criteria: Invitae Variant Classification Sherloc (09022015). Collection method: clinical testing. Allele origin: germline.
Comment: In summary, the available evidence is currently insufficient to determine the role of this variant in disease. Therefore, it has been classified as a Variant of Uncertain Significance. Advanced modeling of protein sequence and biophysical properties (such as structural, functional, and spatial information, amino acid conservation, physicochemical variation, residue mobility, and thermodynamic stability) performed at Invitae indicates that this missense variant is not expected to disrupt APC protein function. This sequence change replaces asparagine, which is neutral and polar, with serine, which is neutral and polar, at codon 1017 of the APC protein (p.Asn1017Ser). This variant is not present in population databases (gnomAD no frequency). This variant has not been reported in the literature in individuals affected with APC-related conditions.

NM_000038.6(APC):c.3050A>G (p.Asn1017Ser)

Gene: APC (APC regulator of Wnt signaling pathway; plus strand). Cytogenetic location: 5q22.2.
Variant type: single nucleotide variant.
Coding change: c.3050A>G on transcript NM_000038.6 (MANE Select); coding-DNA position 3050, A replaced by G.
Protein change: p.Asn1017Ser; replaces asparagine 1017 with serine.
Molecular consequence: missense variant.
Genome position (GRCh38, 1-based): chr5:112,838,644, A>G. VCF-style: chr5-112838644-A-G. GRCh37 (hg19) VCF-style: chr5-112174341-A-G.
Other names: c.3050A>G, p.Asn1017Ser (NM_001127510.3, NM_001354895.2, NM_001407450.1); c.2996A>G, p.Asn999Ser (NM_001127511.3); c.3104A>G, p.Asn1035Ser (NM_001354896.2, NM_001407447.1, NM_001407448.1 and 1 more transcripts); c.3080A>G, p.Asn1027Ser (NM_001354897.2); c.2975A>G, p.Asn992Ser (NM_001354898.2); c.2966A>G, p.Asn989Ser (NM_001354899.2); c.2927A>G, p.Asn976Ser (NM_001354900.2); c.2873A>G, p.Asn958Ser (NM_001354901.2, NM_001407453.1); and 11 more; short protein forms N1007S, N1010S, N1017S, N1027S, N1035S, N1045S, N633S, N734S.
Identifiers: ClinVar variation 1719864 (VCV001719864.9), dbSNP rs753314927, ClinGen allele CA16028012.